The following is an entry in ClinVar:

NM_001171613.2(PREPL):c.68A>C (p.Asn23Thr)

Gene: PREPL (prolyl endopeptidase like; minus strand). Cytogenetic location: 2p21.
Variant type: single nucleotide variant.
Coding change: c.68A>C on transcript NM_001171613.2 (MANE Select); coding-DNA position 68, A replaced by C.
Protein change: p.Asn23Thr; replaces asparagine 23 with threonine.
Molecular consequence: missense variant.
Genome position (GRCh38, 1-based): chr2:44,346,275, T>G on the plus strand (A>C on the coding strand, the complement: PREPL is on the minus strand). VCF-style: chr2-44346275-T-G. GRCh37 (hg19) VCF-style: chr2-44573414-T-G.
Other names: c.335A>C, p.Asn112Thr (NM_001042385.2, NM_001042386.2, NM_001171603.1 and 4 more transcripts); c.68A>C, p.Asn23Thr (NM_001171617.1, NM_001374277.1); short protein forms N112T, N23T.
Identifiers: ClinVar variation 1054017 (VCV001054017.10), dbSNP rs138377728, ClinGen allele CA346693865.

ClinVar aggregate classification (germline): Uncertain significance. Review status: criteria provided, multiple submitters, no conflicts (2 of 4 stars). 2 submissions from 2 submitters: Uncertain significance (2). Last evaluated 2024-03-20.

Conditions:
Myasthenic syndrome, congenital, 22 (CMS22). Also called: PREPL DEFICIENCY. Identifiers: MedGen C4479088, MONDO:0044299, OMIM 616224.
Inborn genetic diseases. Identifiers: MedGen C0950123, MeSH D030342.

Submissions (2):

Ambry Genetics
Classification: Uncertain significance for Inborn genetic diseases. Last evaluated: 2024-03-20. Review status: criteria provided, single submitter. Criteria: Ambry Variant Classification Scheme 2023. Collection method: clinical testing. Allele origin: germline.

Labcorp Genetics (formerly Invitae), Labcorp
Classification: Uncertain significance for Myasthenic syndrome, congenital, 22. Last evaluated: 2020-08-23. Review status: criteria provided, single submitter. Criteria: Invitae Variant Classification Sherloc (09022015). Collection method: clinical testing. Allele origin: germline.
Comment: This variant is not present in population databases (ExAC no frequency). This sequence change replaces asparagine with threonine at codon 112 of the PREPL protein (p.Asn112Thr). The asparagine residue is moderately conserved and there is a small physicochemical difference between asparagine and threonine. This variant has not been reported in the literature in individuals with PREPL-related conditions. In summary, the available evidence is currently insufficient to determine the role of this variant in disease. Therefore, it has been classified as a Variant of Uncertain Significance. Algorithms developed to predict the effect of missense changes on protein structure and function (SIFT, PolyPhen-2, Align-GVGD) all suggest that this variant is likely to be tolerated, but these predictions have not been confirmed by published functional studies and their clinical significance is uncertain.